The following is an entry in ClinVar:

ClinVar aggregate classification (germline): Uncertain significance. Review status: criteria provided, multiple submitters, no conflicts (2 of 4 stars). 3 submissions from 3 submitters: Uncertain significance (3). Last evaluated 2026-02-26.

Conditions:
Primary ciliary dyskinesia. Also called: Ciliary dyskinesia. Identifiers: Orphanet 244, MedGen C0008780, MONDO:0016575, HP:0012265.

Allele frequency attached by ClinVar (database versions not stated): gnomAD exomes 0.00002; ExAC 0.00008.
gnomAD v4.1: 35 of 1,602,876 alleles (0.0022%); highest among the groups gnomAD compares: South Asian, 0.024%; 1 homozygote.

Submissions (3):

GeneDx
Classification: Uncertain significance. Last evaluated: 2026-02-26. Review status: criteria provided, single submitter. Criteria: GeneDx Variant Classification Process June 2021. Collection method: clinical testing. Allele origin: germline.
Comment: In silico analysis supports that this missense variant has a deleterious effect on protein structure/function; Has not been previously published as pathogenic or benign to our knowledge

Ambry Genetics
Classification: Uncertain significance for Primary ciliary dyskinesia. Last evaluated: 2025-05-17. Review status: criteria provided, single submitter. Criteria: Ambry Variant Classification Scheme 2023. Collection method: clinical testing. Allele origin: germline.

Labcorp Genetics (formerly Invitae), Labcorp
Classification: Uncertain significance for Primary ciliary dyskinesia. Last evaluated: 2022-02-10. Review status: criteria provided, single submitter. Criteria: Invitae Variant Classification Sherloc (09022015). Collection method: clinical testing. Allele origin: germline.
Comment: This sequence change replaces leucine, which is neutral and non-polar, with serine, which is neutral and polar, at codon 132 of the CCDC39 protein (p.Leu132Ser). This variant is present in population databases (rs750476985, gnomAD 0.02%). This variant has not been reported in the literature in individuals affected with CCDC39-related conditions. Algorithms developed to predict the effect of missense changes on protein structure and function are either unavailable or do not agree on the potential impact of this missense change (SIFT: "Deleterious"; PolyPhen-2: "Probably Damaging"; Align-GVGD: "Class C0"). In summary, the available evidence is currently insufficient to determine the role of this variant in disease. Therefore, it has been classified as a Variant of Uncertain Significance.

NM_181426.2(CCDC39):c.395T>C (p.Leu132Ser)

Gene: CCDC39 (coiled-coil domain 39 molecular ruler complex subunit; minus strand). Cytogenetic location: 3q26.33.
Variant type: single nucleotide variant.
Coding change: c.395T>C on transcript NM_181426.2 (MANE Select); coding-DNA position 395, T replaced by C.
Protein change: p.Leu132Ser; replaces leucine 132 with serine.
Molecular consequence: missense variant.
Genome position (GRCh38, 1-based): chr3:180,660,691, A>G on the plus strand (T>C on the coding strand, the complement: CCDC39 is on the minus strand). VCF-style: chr3-180660691-A-G. GRCh37 (hg19) VCF-style: chr3-180378479-A-G.
Other names: short protein forms L132S.
Identifiers: ClinVar variation 1736515 (VCV001736515.6), dbSNP rs750476985, ClinGen allele CA2716181.